The following is an entry in ClinVar:

NM_014339.7(IL17RA):c.2099G>A (p.Gly700Asp)

Gene: IL17RA (interleukin 17 receptor A; plus strand). Cytogenetic location: 22q11.1.
Variant type: single nucleotide variant.
Coding change: c.2099G>A on transcript NM_014339.7 (MANE Select); coding-DNA position 2099, G replaced by A.
Protein change: p.Gly700Asp; replaces glycine 700 with aspartic acid.
Molecular consequence: missense variant.
Genome position (GRCh38, 1-based): chr22:17,109,318, G>A. VCF-style: chr22-17109318-G-A. GRCh37 (hg19) VCF-style: chr22-17590208-G-A.
Other names: c.1997G>A, p.Gly666Asp (NM_001289905.2); c.2099G>A (NM_014339.5); short protein forms G700D, G666D.
Identifiers: ClinVar variation 1402077 (VCV001402077.4), dbSNP rs999219961, ClinGen allele CA321153152.

ClinVar aggregate classification (germline): Uncertain significance. Review status: criteria provided, multiple submitters, no conflicts (2 of 4 stars). 2 submissions from 2 submitters: Uncertain significance (2). Last evaluated 2022-04-22.

Conditions:
Immunodeficiency 51 (IMD51). Also called: CANDIDIASIS, FAMILIAL, 5. Identifiers: Orphanet 1334, MedGen C4310803, MONDO:0013500, OMIM 613953.

Allele frequency attached by ClinVar (database versions not stated): gnomAD exomes 0.00001; TOPMed 0.00006; gnomAD 0.00007.
gnomAD v4.1: 17 of 1,536,570 alleles (0.0011%); highest among the groups gnomAD compares: African/African-American, 0.019%; no homozygotes.

Submissions (2):

Ambry Genetics
Classification: Uncertain significance. Last evaluated: 2022-04-22. Review status: criteria provided, single submitter. Criteria: Ambry Variant Classification Scheme 2023. Collection method: clinical testing. Allele origin: germline.

Labcorp Genetics (formerly Invitae), Labcorp
Classification: Uncertain significance for Immunodeficiency 51. Last evaluated: 2022-01-11. Review status: criteria provided, single submitter. Criteria: Invitae Variant Classification Sherloc (09022015). Collection method: clinical testing. Allele origin: germline.
Comment: This sequence change replaces glycine, which is neutral and non-polar, with aspartic acid, which is acidic and polar, at codon 700 of the IL17RA protein (p.Gly700Asp). This variant is present in population databases (no rsID available, gnomAD 0.03%). This variant has not been reported in the literature in individuals affected with IL17RA-related conditions. Algorithms developed to predict the effect of missense changes on protein structure and function output the following: SIFT: "Tolerated"; PolyPhen-2: "Benign"; Align-GVGD: "Class C0". The aspartic acid amino acid residue is found in multiple mammalian species, which suggests that this missense change does not adversely affect protein function. In summary, the available evidence is currently insufficient to determine the role of this variant in disease. Therefore, it has been classified as a Variant of Uncertain Significance.